The following is an entry in ClinVar:

NM_177438.3(DICER1):c.4966G>A (p.Asp1656Asn)

Gene: DICER1 (dicer 1, ribonuclease III; minus strand). Cytogenetic location: 14q32.13.
Variant type: single nucleotide variant.
Coding change: c.4966G>A on transcript NM_177438.3 (MANE Select); coding-DNA position 4966, G replaced by A.
Protein change: p.Asp1656Asn; replaces aspartic acid 1656 with asparagine.
Molecular consequence: missense variant.
Genome position (GRCh38, 1-based): chr14:95,095,954, C>T on the plus strand (G>A on the coding strand, the complement: DICER1 is on the minus strand). VCF-style: chr14-95095954-C-T. GRCh37 (hg19) VCF-style: chr14-95562291-C-T.
Other names: c.4966G>A, p.Asp1656Asn (NM_001291628.2, NM_030621.4, NM_001195573.1 and 1 more transcripts); short protein forms D1656N.
Identifiers: ClinVar variation 1400909 (VCV001400909.13), dbSNP rs748106400, ClinGen allele CA7330764.

ClinVar aggregate classification (germline): Uncertain significance. Review status: criteria provided, multiple submitters, no conflicts (2 of 4 stars). 2 submissions from 2 submitters: Uncertain significance (2). Last evaluated 2025-10-18.

Conditions:
DICER1-related tumor predisposition. Also called: DICER1 syndrome; DICER1-related pleuropulmonary blastoma cancer predisposition syndrome. Identifiers: Orphanet 284343, MedGen C3839822, MONDO:0100216.
Hereditary cancer-predisposing syndrome. Also called: Neoplastic Syndromes, Hereditary; Hereditary neoplastic syndrome; Hereditary Cancer Syndrome; Tumor predisposition. Identifiers: Orphanet 140162, MedGen C0027672, MeSH D009386, MONDO:0015356.

Allele frequency attached by ClinVar (database versions not stated): gnomAD exomes below 0.00001 and 0.00001; ExAC 0.00001.
gnomAD v4.1: 2 of 1,614,194 alleles (0.00012%); highest among the groups gnomAD compares: Admixed American, 0.0033%; no homozygotes.

Submissions (2):

Labcorp Genetics (formerly Invitae), Labcorp
Classification: Uncertain significance for DICER1-related tumor predisposition. Last evaluated: 2025-10-18. Review status: criteria provided, single submitter. Criteria: Invitae Variant Classification Sherloc (09022015). Collection method: clinical testing. Allele origin: germline.
Comment: This sequence change replaces aspartic acid, which is acidic and polar, with asparagine, which is neutral and polar, at codon 1656 of the DICER1 protein (p.Asp1656Asn). This variant is present in population databases (rs748106400, gnomAD 0.006%). This variant has not been reported in the literature in individuals affected with DICER1-related conditions. ClinVar contains an entry for this variant (Variation ID: 1400909). Invitae Evidence Modeling of protein sequence and biophysical properties (such as structural, functional, and spatial information, amino acid conservation, physicochemical variation, residue mobility, and thermodynamic stability) indicates that this missense variant is not expected to disrupt DICER1 protein function with a negative predictive value of 95%. In summary, the available evidence is currently insufficient to determine the role of this variant in disease. Therefore, it has been classified as a Variant of Uncertain Significance.

Ambry Genetics
Classification: Uncertain significance for Hereditary cancer-predisposing syndrome. Last evaluated: 2025-08-01. Review status: criteria provided, single submitter. Criteria: Ambry Variant Classification Scheme 2023. Collection method: clinical testing. Allele origin: germline.
Comment: The p.D1656N variant (also known as c.4966G>A), located in coding exon 22 of the DICER1 gene, results from a G to A substitution at nucleotide position 4966. The aspartic acid at codon 1656 is replaced by asparagine, an amino acid with highly similar properties. This amino acid position is not well conserved in available vertebrate species. In addition, this alteration is predicted to be tolerated by in silico analysis. Since supporting evidence is limited at this time, the clinical significance of this alteration remains unclear.